The following is an entry in ClinVar:

NM_000089.4(COL1A2):c.1444C>A (p.Pro482Thr)

Gene: COL1A2 (collagen type I alpha 2 chain; plus strand). Cytogenetic location: 7q21.3.
Variant type: single nucleotide variant.
Coding change: c.1444C>A on transcript NM_000089.4 (MANE Select); coding-DNA position 1444, C replaced by A.
Protein change: p.Pro482Thr; replaces proline 482 with threonine.
Molecular consequence: missense variant.
Genome position (GRCh38, 1-based): chr7:94,412,623, C>A. VCF-style: chr7-94412623-C-A. GRCh37 (hg19) VCF-style: chr7-94041935-C-A.
Other names: short protein forms P482T.
Identifiers: ClinVar variation 2927864 (VCV002927864.3), dbSNP rs2484713642, ClinGen allele CA368221862.
Genomic context (GRCh38, chr7:94,412,623, plus strand): 5'-TTGAAATAACTCTGCTTTCAGGGCCTCCCTGGCATCGACGGCAGGCCTGGCCCAATTGGC[C>A]CAGCTGGAGCAAGAGGAGAGCCTGGCAACATTGGATTCCCTGGACCCAAAGGCCCCACTG-3'
Protein context (NP_000080.2, residues 472-492): GIDGRPGPIG[Pro482Thr]AGARGEPGNI

ClinVar aggregate classification (germline): Uncertain significance (1 of 4 stars; one submission).

Conditions:
Osteogenesis imperfecta type I (OI1). Also called: Lobstein disease; OI, TYPE I; OSTEOGENESIS IMPERFECTA TARDA; OSTEOGENESIS IMPERFECTA WITH BLUE SCLERAE; Osteogenesis imperfecta type 1; Lobstein's Disease. Identifiers: Orphanet 216796, Orphanet 666, MedGen C0023931, MONDO:0008146, OMIM 166200. Disease mechanism: loss of function.
Ehlers-Danlos syndrome, classic type, 1 (EDSCL1). Also called: EDS I; EHLERS-DANLOS SYNDROME, GRAVIS TYPE; EHLERS-DANLOS SYNDROME, SEVERE CLASSIC TYPE; Ehlers-Danlos syndrome, type 1; Ehlers-Danlos Syndrome, Classic Type, COL5A1-Related. Identifiers: MedGen C0268335, MONDO:0019567, OMIM 130000.

Submission:

Labcorp Genetics (formerly Invitae), Labcorp
Classification: Uncertain significance for Osteogenesis imperfecta type I; Ehlers-Danlos syndrome, classic type, 1. Last evaluated: 2022-11-20. Review status: criteria provided, single submitter. Criteria: Invitae Variant Classification Sherloc (09022015). Collection method: clinical testing. Allele origin: germline.
Comment: This variant is not present in population databases (gnomAD no frequency). In summary, the available evidence is currently insufficient to determine the role of this variant in disease. Therefore, it has been classified as a Variant of Uncertain Significance. Advanced modeling of protein sequence and biophysical properties (such as structural, functional, and spatial information, amino acid conservation, physicochemical variation, residue mobility, and thermodynamic stability) has been performed at Invitae for this missense variant, however the output from this modeling did not meet the statistical confidence thresholds required to predict the impact of this variant on COL1A2 protein function. This variant has not been reported in the literature in individuals affected with COL1A2-related conditions. This sequence change replaces proline, which is neutral and non-polar, with threonine, which is neutral and polar, at codon 482 of the COL1A2 protein (p.Pro482Thr).